The following is an entry in ClinVar:

ClinVar aggregate classification (germline): Uncertain significance. Review status: criteria provided, multiple submitters, no conflicts (2 of 4 stars). 3 submissions from 3 submitters: Uncertain significance (3). Last evaluated 2024-07-09.

Conditions:
Nephronophthisis. Also called: Juvenile Nephronophthisis. Identifiers: Orphanet 655, MedGen C0687120, MONDO:0019005, HP:0000090.
Nephronophthisis 4 (NPHP4). Also called: NEPHRONOPHTHISIS 4, JUVENILE. Identifiers: Orphanet 655, MedGen C1847013, MONDO:0011752, OMIM 606966.
Senior-Loken syndrome 4 (SLSN4). Identifiers: Orphanet 3156, MedGen C1846979, MONDO:0011756, OMIM 606996.

Allele frequency attached by ClinVar (database versions not stated): gnomAD 0.00005; TOPMed 0.00006; ExAC 0.00007; ESP Exome Variant Server 0.00024.
gnomAD v4.1: 63 of 1,608,700 alleles (0.0039%); highest among the groups gnomAD compares: African/African-American, 0.011%; no homozygotes.

Submissions (3):

Mayo Clinic Laboratories, Mayo Clinic
Classification: Uncertain significance. Last evaluated: 2024-07-09. Review status: criteria provided, single submitter. Criteria: ACMG Guidelines, 2015. Collection method: clinical testing. Allele origin: germline. Observed: 1 variant allele.

Fulgent Genetics
Classification: Uncertain significance for Nephronophthisis 4; Senior-Loken syndrome 4. Last evaluated: 2024-05-30. Review status: criteria provided, single submitter. Criteria: ACMG Guidelines, 2015. Collection method: clinical testing. Allele origin: germline.

Labcorp Genetics (formerly Invitae), Labcorp
Classification: Uncertain significance for Nephronophthisis. Last evaluated: 2022-09-15. Review status: criteria provided, single submitter. Criteria: Invitae Variant Classification Sherloc (09022015). Collection method: clinical testing. Allele origin: germline.
Comment: This sequence change replaces threonine, which is neutral and polar, with methionine, which is neutral and non-polar, at codon 82 of the NPHP4 protein (p.Thr82Met). This variant is present in population databases (rs372960832, gnomAD 0.02%). This variant has not been reported in the literature in individuals affected with NPHP4-related conditions. Advanced modeling of protein sequence and biophysical properties (such as structural, functional, and spatial information, amino acid conservation, physicochemical variation, residue mobility, and thermodynamic stability) performed at Invitae indicates that this missense variant is not expected to disrupt NPHP4 protein function. In summary, the available evidence is currently insufficient to determine the role of this variant in disease. Therefore, it has been classified as a Variant of Uncertain Significance.

NM_015102.5(NPHP4):c.245C>T (p.Thr82Met)

Gene: NPHP4 (nephrocystin 4; minus strand). Cytogenetic location: 1p36.31.
Variant type: single nucleotide variant.
Coding change: c.245C>T on transcript NM_015102.5 (MANE Select); coding-DNA position 245, C replaced by T.
Protein change: p.Thr82Met; replaces threonine 82 with methionine.
Molecular consequence: missense variant. On other transcripts: 5 prime UTR variant (1), non-coding transcript variant (1), intron variant (1).
Genome position (GRCh38, 1-based): chr1:5,978,304, G>A on the plus strand (C>T on the coding strand, the complement: NPHP4 is on the minus strand). VCF-style: chr1-5978304-G-A. GRCh37 (hg19) VCF-style: chr1-6038364-G-A.
Other names: p.Thr82Met; c.-985C>T (NM_001291593.2); c.-1087-9045C>T (NM_001291594.2); short protein forms T82M.
Identifiers: ClinVar variation 2144107 (VCV002144107.3), dbSNP rs372960832, ClinGen allele CA554899.